The following is an entry in ClinVar:

ClinVar aggregate classification (germline): Conflicting classifications of pathogenicity. Review status: criteria provided, conflicting classifications (1 of 4 stars). 3 submissions from 3 submitters: Uncertain significance (2); Benign (1). Last evaluated 2025-02-08.

Conditions:
Familial thoracic aortic aneurysm and aortic dissection (TAAD). Also called: Thoracic aortic aneurysms and dissections. Identifiers: Orphanet 91387, MedGen C4707243, MONDO:0019625.
Congenital contractural arachnodactyly (CCA). Also called: BEALS SYNDROME; Arthrogryposis, distal, type 9; Beals-Hecht syndrome. Identifiers: Orphanet 115, MedGen C0220668, MONDO:0007363, OMIM 121050.

Allele frequency attached by ClinVar (database versions not stated): ExAC 0.00001; gnomAD exomes 0.00001; TOPMed 0.00001.
gnomAD v4.1: 18 of 1,614,220 alleles (0.0011%); highest among the groups gnomAD compares: African/African-American, 0.0067%; no homozygotes.

Submissions (3):

Ambry Genetics
Classification: Uncertain significance for Familial thoracic aortic aneurysm and aortic dissection. Last evaluated: 2025-02-08. Review status: criteria provided, single submitter. Criteria: Ambry Variant Classification Scheme 2023. Collection method: clinical testing. Allele origin: germline.
Comment: The p.R245Q variant (also known as c.734G>A), located in coding exon 6 of the FBN2 gene, results from a G to A substitution at nucleotide position 734. The arginine at codon 245 is replaced by glutamine, an amino acid with highly similar properties. This amino acid position is highly conserved in available vertebrate species. In addition, the in silico prediction for this alteration is inconclusive. Based on the available evidence, the clinical significance of this variant remains unclear.

Labcorp Genetics (formerly Invitae), Labcorp
Classification: Benign for Congenital contractural arachnodactyly. Last evaluated: 2022-12-06. Review status: criteria provided, single submitter. Criteria: Invitae Variant Classification Sherloc (09022015). Collection method: clinical testing. Allele origin: germline.

Illumina Laboratory Services, Illumina
Classification: Uncertain significance for Congenital contractural arachnodactyly. Last evaluated: 2018-01-13. Review status: criteria provided, single submitter. Criteria: ICSL Variant Classification Criteria 13 December 2019. Collection method: clinical testing. Allele origin: germline.

NM_001999.4(FBN2):c.734G>A (p.Arg245Gln)

Gene: FBN2 (fibrillin 2; minus strand). Cytogenetic location: 5q23.3.
Variant type: single nucleotide variant.
Coding change: c.734G>A on transcript NM_001999.4 (MANE Select); coding-DNA position 734, G replaced by A.
Protein change: p.Arg245Gln; replaces arginine 245 with glutamine.
Molecular consequence: missense variant.
Genome position (GRCh38, 1-based): chr5:128,464,816, C>T on the plus strand (G>A on the coding strand, the complement: FBN2 is on the minus strand). VCF-style: chr5-128464816-C-T. GRCh37 (hg19) VCF-style: chr5-127800509-C-T.
Other names: short protein forms R245Q.
Identifiers: ClinVar variation 411822 (VCV000411822.11), dbSNP rs747507457, ClinGen allele CA3396017.
Genomic context (GRCh38, chr5:128,464,816, plus strand): 5'-AAACCCCGTCGGCAGGGCTGAGGCTGGGCTGGACACATCTCACAGGGATGGCCCCACGCC[C>T]GTCCAATGGTGGCACAGCACAGAGTCTTCGTGCAGACAATGCCTGTCAGCTGCCCTTGGC-3'
Protein context (NP_001990.2, residues 235-255): TKTLCCATIG[Arg245Gln]AWGHPCEMCP